The following is an entry in ClinVar:

ClinVar aggregate classification (germline): Conflicting classifications of pathogenicity. Review status: criteria provided, conflicting classifications (1 of 4 stars). 6 submissions from 6 submitters: Uncertain significance (1); Benign (1); Likely benign (4). Last evaluated 2025-12-15.

Conditions:
Hereditary cancer-predisposing syndrome. Also called: Tumor predisposition; Hereditary Cancer Syndrome; Neoplastic Syndromes, Hereditary; Hereditary neoplastic syndrome. Identifiers: Orphanet 140162, MedGen C0027672, MeSH D009386, MONDO:0015356.
Ovarian cancer. Also called: OVARIAN CANCER, SOMATIC. Identifiers: Orphanet 213500, MedGen C1140680, MONDO:0008170, OMIM 167000.
Gorlin syndrome. Also called: Nevoid Basal Cell Carcinoma Syndrome; Basal cell nevus syndrome. Identifiers: Orphanet 377, MedGen C0004779, MONDO:0007187.

Allele frequency attached by ClinVar (database versions not stated): TOPMed 0.00001; gnomAD 0.00002 and 0.00004; 1000 Genomes Project 30x 0.00016.
gnomAD v4.1: 60 of 1,613,468 alleles (0.0037%); highest among the groups gnomAD compares: East Asian, 0.049%; no homozygotes.

Submissions (6):

Labcorp Genetics (formerly Invitae), Labcorp
Classification: Likely benign for Gorlin syndrome. Last evaluated: 2025-12-15. Review status: criteria provided, single submitter. Criteria: Invitae Variant Classification Sherloc (09022015). Collection method: clinical testing. Allele origin: germline.

Quest Diagnostics Nichols Institute San Juan Capistrano
Classification: Likely benign. Last evaluated: 2024-12-20. Review status: criteria provided, single submitter. Criteria: Quest Diagnostics criteria. Collection method: clinical testing. Allele origin: unknown.

GeneDx
Classification: Likely benign. Last evaluated: 2023-04-10. Review status: criteria provided, single submitter. Criteria: GeneDx Variant Classification Process June 2021. Collection method: clinical testing. Allele origin: germline. Affected: yes.
Comment: See Variant Classification Assertion Criteria.

Laboratory of Molecular Epidemiology of Birth Defects, West China Second University Hospital, Sichuan University
Classification: Benign for Ovarian cancer. Last evaluated: 2022-01-01. Review status: criteria provided, single submitter. Criteria: ACMG Guidelines, 2015. Collection method: clinical testing. Allele origin: germline. Affected: yes.

Ambry Genetics
Classification: Likely benign for Hereditary cancer-predisposing syndrome. Last evaluated: 2021-07-06. Review status: criteria provided, single submitter. Criteria: Ambry Variant Classification Scheme 2023. Collection method: clinical testing. Allele origin: germline.

CeGaT Center for Human Genetics Tuebingen
Classification: Uncertain significance. Last evaluated: 2019-11-01. Review status: criteria provided, single submitter. Criteria: CeGaT Center For Human Genetics Tuebingen Variant Classification Criteria Version 2. Collection method: clinical testing. Allele origin: germline. Affected: yes. Observed: 2 variant alleles.

Literature cited by the submitters: PubMed 16931872 (cited by Ambry Genetics); PubMed 24204797 (cited by Ambry Genetics).

NM_000264.5(PTCH1):c.3913G>T (p.Asp1305Tyr)

Gene: PTCH1 (patched 1; minus strand). Cytogenetic location: 9q22.32.
Variant type: single nucleotide variant.
Coding change: c.3913G>T on transcript NM_000264.5 (MANE Select); coding-DNA position 3913, G replaced by T.
Protein change: p.Asp1305Tyr; replaces aspartic acid 1305 with tyrosine.
Molecular consequence: missense variant. On other transcripts: non-coding transcript variant (1).
Genome position (GRCh38, 1-based): chr9:95,447,343, C>A on the plus strand (G>T on the coding strand, the complement: PTCH1 is on the minus strand). VCF-style: chr9-95447343-C-A. GRCh37 (hg19) VCF-style: chr9-98209625-C-A.
Other names: c.3715G>T, p.Asp1239Tyr (NM_001083602.3); c.3910G>T, p.Asp1304Tyr (NM_001083603.3); c.3460G>T, p.Asp1154Tyr (NM_001083604.3, NM_001083605.3, NM_001083606.3 and 1 more transcripts); c.3757G>T, p.Asp1253Tyr (NM_001354918.2); c.3913G>T (NM_000264.4); short protein forms D1239Y, D1305Y, D1304Y, D1154Y, D1253Y.
Identifiers: ClinVar variation 237490 (VCV000237490.60), dbSNP rs368528885, ClinGen allele CA5138008.
Genomic context (GRCh38, chr9:95,447,343, plus strand): 5'-TTTCAAAAGCGTCTCTGCGCGGTCTGTAGGGGGGTGGCCACAAGCCTTCTCTGGGGGGGT[C>A]CCTGCGGGGCTGCTGGCCTTGCCGTCCGGGAGGCAGGGACCCTGAGTCCAGGTGGGGCTG-3'
Protein context (NP_000255.2, residues 1295-1315): PGRQGQQPRR[Asp1305Tyr]PPREGLWPPP